The following is an entry in ClinVar:

NM_014244.5(ADAMTS2):c.1689C>T (p.Ser563=)

Gene: ADAMTS2 (ADAM metallopeptidase with thrombospondin type 1 motif 2; minus strand). Cytogenetic location: 5q35.3.
Variant type: single nucleotide variant.
Coding change: c.1689C>T on transcript NM_014244.5 (MANE Select); coding-DNA position 1689, C replaced by T.
Protein change: p.Ser563=; no amino-acid change (serine 563 retained).
Molecular consequence: synonymous variant.
Genome position (GRCh38, 1-based): chr5:179,139,976, G>A on the plus strand (C>T on the coding strand, the complement: ADAMTS2 is on the minus strand). VCF-style: chr5-179139976-G-A. GRCh37 (hg19) VCF-style: chr5-178566977-G-A.
Other names: c.1689C>T (NM_014244.4).
Identifiers: ClinVar variation 1634546 (VCV001634546.11), dbSNP rs376357664, ClinGen allele CA3595808.

ClinVar aggregate classification (germline): Likely benign. Review status: criteria provided, multiple submitters, no conflicts (2 of 4 stars). 3 submissions from 3 submitters: Likely benign (2). 1 of the submissions does not count toward it. Last evaluated 2026-02-24.

Conditions:
Ehlers-Danlos syndrome, dermatosparaxis type. Also called: EDS VIIC; Dermatosparaxis; Ehlers-Danlos syndrome, type VII, autosomal recessive. Identifiers: Orphanet 1901, MedGen C2700425, MONDO:0009161, OMIM 225410.
ADAMTS2-related disorder. Also called: ADAMTS2-related condition.

Allele frequency attached by ClinVar (database versions not stated): gnomAD exomes below 0.00001 and 0.00001; TOPMed below 0.00001; ExAC 0.00001; ESP Exome Variant Server 0.00008; gnomAD 0.00001.
gnomAD v4.1: 5 of 1,614,054 alleles (0.00031%); highest among the groups gnomAD compares: East Asian, 0.0022%; no homozygotes.

Submissions (3):

Women's Health and Genetics/Laboratory Corporation of America, LabCorp
Classification: Likely benign. Last evaluated: 2026-02-24. Review status: criteria provided, single submitter. Criteria: LabCorp Variant Classification Summary - May 2015. Collection method: clinical testing. Allele origin: germline.

Labcorp Genetics (formerly Invitae), Labcorp
Classification: Likely benign for Ehlers-Danlos syndrome, dermatosparaxis type. Last evaluated: 2024-06-24. Review status: criteria provided, single submitter. Criteria: Invitae Variant Classification Sherloc (09022015). Collection method: clinical testing. Allele origin: germline.

PreventionGenetics, part of Exact Sciences
Classification: Likely benign for ADAMTS2-related condition. Last evaluated: 2019-08-13. Review status: no assertion criteria provided. Collection method: clinical testing. Allele origin: germline. Not counted in ClinVar's aggregate classification.
Comment: This variant is classified as likely benign based on ACMG/AMP sequence variant interpretation guidelines (Richards et al. 2015 PMID: 25741868, with internal and published modifications).